The following is an entry in ClinVar:

NM_001843.4(CNTN1):c.2039G>A (p.Arg680His)

Gene: CNTN1 (contactin 1; plus strand). Cytogenetic location: 12q12.
Variant type: single nucleotide variant.
Coding change: c.2039G>A on transcript NM_001843.4 (MANE Select); coding-DNA position 2039, G replaced by A.
Protein change: p.Arg680His; replaces arginine 680 with histidine.
Molecular consequence: missense variant.
Genome position (GRCh38, 1-based): chr12:40,993,195, G>A. VCF-style: chr12-40993195-G-A. GRCh37 (hg19) VCF-style: chr12-41386997-G-A.
Other names: c.2006G>A, p.Arg669His (NM_175038.2); short protein forms R680H, R669H.
Identifiers: ClinVar variation 426596 (VCV000426596.9), dbSNP rs770506056, ClinGen allele CA6517031.

ClinVar aggregate classification (germline): Uncertain significance. Review status: criteria provided, multiple submitters, no conflicts (2 of 4 stars). 2 submissions from 2 submitters: Uncertain significance (2). Last evaluated 2021-08-31.

Conditions:
Compton-North congenital myopathy (CMYO12). Identifiers: Orphanet 210163, MedGen C2675527, MONDO:0012929, OMIM 612540.

Allele frequency attached by ClinVar (database versions not stated): gnomAD 0.00001 and 0.00003; ExAC 0.00002; gnomAD exomes 0.00002; TOPMed 0.00005.
gnomAD v4.1: 26 of 1,613,576 alleles (0.0016%); highest among the groups gnomAD compares: Admixed American, 0.0083%; no homozygotes.

Submissions (2):

Labcorp Genetics (formerly Invitae), Labcorp
Classification: Uncertain significance for Compton-North congenital myopathy. Last evaluated: 2021-08-31. Review status: criteria provided, single submitter. Criteria: Invitae Variant Classification Sherloc (09022015). Collection method: clinical testing. Allele origin: germline.
Comment: This sequence change replaces arginine with histidine at codon 680 of the CNTN1 protein (p.Arg680His). The arginine residue is highly conserved and there is a small physicochemical difference between arginine and histidine. This variant is present in population databases (rs770506056, ExAC 0.01%). This variant has not been reported in the literature in individuals affected with CNTN1-related conditions. ClinVar contains an entry for this variant (Variation ID: 426596). Algorithms developed to predict the effect of missense changes on protein structure and function (SIFT, PolyPhen-2, Align-GVGD) all suggest that this variant is likely to be disruptive. In summary, the available evidence is currently insufficient to determine the role of this variant in disease. Therefore, it has been classified as a Variant of Uncertain Significance.

GeneDx
Classification: Uncertain significance. Last evaluated: 2017-04-11. Review status: criteria provided, single submitter. Criteria: GeneDx Variant Classification (06012015). Collection method: clinical testing. Allele origin: germline. Affected: yes.
Comment: A variant of uncertain significance has been identified in the CNTN1 gene. The R680H variant has not been published as a pathogenic variant, nor has it been reported as a benign variant to our knowledge. The R680H variant is not observed at a significant frequency in large population cohorts (Lek et al., 2016; 1000 Genomes Consortium et al., 2015; Exome Variant Server). The R680H variant is a conservative amino acid substitution, which is not likely to impact secondary protein structure as these residues share similar properties. However, this substitution occurs at a position that is conserved across species. In silico analysis predicts this variant is probably damaging to the protein structure/function. Therefore, based on the currently available information, it is unclear whether this variant is a pathogenic variant or a rare benign variant.